The following is an entry in ClinVar:

NM_001367624.2(ZNF469):c.11534C>A (p.Pro3845His)

Gene: ZNF469 (zinc finger protein 469; plus strand). Cytogenetic location: 16q24.2.
Variant type: single nucleotide variant.
Coding change: c.11534C>A on transcript NM_001367624.2 (MANE Select); coding-DNA position 11534, C replaced by A.
Protein change: p.Pro3845His; replaces proline 3845 with histidine.
Molecular consequence: missense variant.
Genome position (GRCh38, 1-based): chr16:88,439,004, C>A. VCF-style: chr16-88439004-C-A. GRCh37 (hg19) VCF-style: chr16-88505412-C-A.
Other names: NM_001127464.1:c.11450C>A; short protein forms P3845H.
Identifiers: ClinVar variation 1684139 (VCV001684139.5), dbSNP rs746145535, ClinGen allele CA8225618.

ClinVar aggregate classification (germline): Conflicting classifications of pathogenicity. Review status: criteria provided, conflicting classifications (1 of 4 stars). 2 submissions from 2 submitters: Uncertain significance (1); Likely benign (1). Last evaluated 2022-06-24.

Conditions:
Cardiovascular phenotype. Identifiers: MedGen CN230736.

Allele frequency attached by ClinVar (database versions not stated): gnomAD 0.00001 and 0.00002; TOPMed 0.00001; ExAC 0.00016.
gnomAD v4.1: 61 of 1,550,334 alleles (0.0039%); highest among the groups gnomAD compares: South Asian, 0.059%; no homozygotes.

Submissions (2):

Ambry Genetics
Classification: Likely benign for Cardiovascular phenotype. Last evaluated: 2022-06-24. Review status: criteria provided, single submitter. Criteria: Ambry Variant Classification Scheme 2023. Collection method: clinical testing. Allele origin: germline.

GeneDx
Classification: Uncertain significance. Last evaluated: 2021-11-12. Review status: criteria provided, single submitter. Criteria: GeneDx Variant Classification Process June 2021. Collection method: clinical testing. Allele origin: germline. Affected: yes.
Comment: Has not been previously published as pathogenic or benign to our knowledge; In silico analysis supports that this missense variant does not alter protein structure/function